The following is an entry in ClinVar:

NM_005137.3(DGCR2):c.1173C>A (p.Asn391Lys)

Gene: DGCR2 (DiGeorge syndrome critical region gene 2; minus strand). Cytogenetic location: 22q11.21.
Variant type: single nucleotide variant.
Coding change: c.1173C>A on transcript NM_005137.3 (MANE Select); coding-DNA position 1173, C replaced by A.
Protein change: p.Asn391Lys; replaces asparagine 391 with lysine.
Molecular consequence: missense variant. On other transcripts: non-coding transcript variant (1).
Genome position (GRCh38, 1-based): chr22:19,041,281, G>T on the plus strand (C>A on the coding strand, the complement: DGCR2 is on the minus strand). VCF-style: chr22-19041281-G-T. GRCh37 (hg19) VCF-style: chr22-19028794-G-T.
Other names: c.1050C>A, p.Asn350Lys (NM_001173533.2); c.1041C>A, p.Asn347Lys (NM_001173534.2); c.1164C>A, p.Asn388Lys (NM_001184781.2); short protein forms N347K, N350K, N388K, N391K.
Identifiers: ClinVar variation 4875347 (VCV004875347.2).

ClinVar aggregate classification (germline): Uncertain significance (1 of 4 stars; one submission).

Submission:

CeGaT Center for Human Genetics Tuebingen
Classification: Uncertain significance. Last evaluated: 2026-06-01. Review status: criteria provided, single submitter. Criteria: CeGaT Center For Human Genetics Tuebingen Variant Classification Criteria Version 2. Collection method: clinical testing. Allele origin: germline. Affected: yes. Observed: 1 variant allele.
Comment: DGCR2: PM2, PP3